The following is an entry in ClinVar:

ClinVar aggregate classification (germline): Pathogenic. Review status: criteria provided, multiple submitters, no conflicts (2 of 4 stars). 2 submissions from 2 submitters: Pathogenic (2). Last evaluated 2023-07-17.

Conditions:
Lymphatic malformation 7 (LMPHM7). Also called: Hydrops fetalis, nonimmune, and/or atrial septal defect, susceptibility to. Identifiers: MedGen C4310629, MONDO:0015009, OMIM 617300.
EPHB4-related disorder. Also called: EPHB4-related condition; EPHB4-related disorders.

Allele frequency attached by ClinVar (database versions not stated): gnomAD exomes below 0.00001.
gnomAD v4.1: 1 of 1,613,806 alleles (0.000062%); highest among the groups gnomAD compares: Non-Finnish European, 0.000085%; no homozygotes.

Submissions (2):

Victorian Clinical Genetics Services, Murdoch Childrens Research Institute
Classification: Pathogenic for Lymphatic malformation 7. Last evaluated: 2023-07-17. Review status: criteria provided, single submitter. Criteria: ACMG Guidelines, 2015. Collection method: clinical testing. Allele origin: germline. Inheritance: Autosomal dominant inheritance. Affected: yes.
Comment: Based on the classification scheme VCGS_Germline_v1.3.4, this variant is classified as Pathogenic. Following criteria are met: 0102 - Loss of function is a known mechanism of disease in this gene and is associated with capillary malformation-arteriovenous malformation 2 (MIM#618196) and lymphatic malformation 7 (MIM#617300). (I) 0107 - This gene is associated with autosomal dominant disease. (I) 0115 - Variants in this gene are known to have variable expressivity (PMIDs: 29905864, 27400125, 30578106). (I) 0200 - Variant is predicted to result in a missense amino acid change from arginine to glutamine. (I) 0251 - This variant is heterozygous. (I) 0301 - Variant is absent from gnomAD (both v2 and v3). (SP) 0501 - Missense variant consistently predicted to be damaging by multiple in silico tools or highly conserved with a major amino acid change. (SP) 0600 - Variant is located in the annotated protein tyrosine and serine/threonine kinase domain (DECIPHER). (I) 0705 - No comparable missense variants have previous evidence for pathogenicity. (I) 0801 - This variant has strong previous evidence of pathogenicity in unrelated individuals. This variant has been observed as de novo in one fetus with nonimmune hydrops fetalis, and de novo in one individual with lymphatic malformation (LOVD, PMIDs: 32267001, 33240318). (SP) 1007 - No published functional evidence has been identified for this variant. (SP) Legend: (SP) - Supporting pathogenic, (I) - Information, (SB) - Supporting benign

Rady Children's Institute for Genomic Medicine, Rady Children's Hospital San Diego
Classification: Pathogenic for EPHB4-related disorders. Review status: criteria provided, single submitter. Criteria: ACMG Guidelines, 2015. Collection method: clinical testing. Allele origin: germline. Affected: yes.
Comment: This variant has been previously reported as a de novo change in an individual with a diagnosis of Lymphatic malformation 7 (OMIM: #617300; PMID: 33240318). The c.2354G>A (p.Arg785Gln) variant is absent from the gnomAD population database and thus presumed to be rare. It affects a highly conserved amino acid and is predicted by multiple in silico tools to have a deleterious effect on protein function. The c.2354G>A (p.Arg785Gln) variant is present in the tyrosine kinase domain of the EPHB4 protein where other variants associated with lymphatic-related hydrops fetalis have been reported (PMID: 29905864, 27400125). Analysis of the parental samples was negative for the variant, indicating this variant likely occurred as a de novo event. Based on the available evidence, c.2354G>A(p.Arg785Gln) is classified as Pathogenic.

Literature cited by the submitters: PubMed 27400125 (cited by Victorian Clinical Genetics Services, Murdoch Childrens Research Institute); PubMed 29905864 (cited by Victorian Clinical Genetics Services, Murdoch Childrens Research Institute); PubMed 30578106 (cited by Victorian Clinical Genetics Services, Murdoch Childrens Research Institute); PubMed 32267001 (cited by Victorian Clinical Genetics Services, Murdoch Childrens Research Institute); PubMed 33240318 (cited by Victorian Clinical Genetics Services, Murdoch Childrens Research Institute).

NM_004444.5(EPHB4):c.2354G>A (p.Arg785Gln)

Genes: EPHB4 (EPH receptor B4; minus strand), LOC126860124 (CDK7 strongly-dependent group 2 enhancer GRCh37_chr7:100403701-100404900; plus strand). Cytogenetic location: 7q22.1.
Variant type: single nucleotide variant.
Coding change: c.2354G>A on transcript NM_004444.5 (MANE Select); coding-DNA position 2354, G replaced by A.
Protein change: p.Arg785Gln; replaces arginine 785 with glutamine.
Molecular consequence: missense variant.
Genome position (GRCh38, 1-based): chr7:100,806,550, C>T on the plus strand (G>A on the coding strand, the complement: EPHB4 is on the minus strand). VCF-style: chr7-100806550-C-T. GRCh37 (hg19) VCF-style: chr7-100404172-C-T.
Other names: short protein forms R785Q.
Identifiers: ClinVar variation 1805925 (VCV001805925.3), dbSNP rs1812821716, ClinGen allele CA368567905.